The following is an entry in ClinVar:

ClinVar aggregate classification (germline): Likely benign. Review status: criteria provided, multiple submitters, no conflicts (2 of 4 stars). 3 submissions from 3 submitters: Likely benign (2). 1 of the submissions does not count toward it. Last evaluated 2025-09-02.

Conditions:
NHS-related disorder. Also called: NHS-related condition.
Inborn genetic diseases. Identifiers: MedGen C0950123, MeSH D030342.
Nance-Horan syndrome (NHS). Identifiers: Orphanet 627, MedGen C0796085, MONDO:0010545, OMIM 302350.

Allele frequency attached by ClinVar (database versions not stated): ExAC 0.00002; gnomAD 0.00002 and 0.00003; gnomAD exomes 0.00003 and 0.00005; TOPMed 0.00003.
gnomAD v4.1: 15 of 1,209,736 alleles (0.0012%); highest among the groups gnomAD compares: Admixed American, 0.031%; no homozygotes.

Submissions (3):

Labcorp Genetics (formerly Invitae), Labcorp
Classification: Likely benign for Nance-Horan syndrome. Last evaluated: 2025-09-02. Review status: criteria provided, single submitter. Criteria: Invitae Variant Classification Sherloc (09022015). Collection method: clinical testing. Allele origin: germline.

Ambry Genetics
Classification: Likely benign for Inborn genetic diseases. Last evaluated: 2023-07-11. Review status: criteria provided, single submitter. Criteria: Ambry Variant Classification Scheme 2023. Collection method: clinical testing. Allele origin: germline.

PreventionGenetics, part of Exact Sciences
Classification: Likely benign for NHS-related condition. Last evaluated: 2021-04-13. Review status: no assertion criteria provided. Collection method: clinical testing. Allele origin: germline. Not counted in ClinVar's aggregate classification.
Comment: This variant is classified as likely benign based on ACMG/AMP sequence variant interpretation guidelines (Richards et al. 2015 PMID: 25741868, with internal and published modifications).

NM_001291867.2(NHS):c.1469G>T (p.Gly490Val)

Gene: NHS (NHS actin remodeling regulator; plus strand). Cytogenetic location: Xp22.13.
Variant type: single nucleotide variant.
Coding change: c.1469G>T on transcript NM_001291867.2 (MANE Select); coding-DNA position 1469, G replaced by T.
Protein change: p.Gly490Val; replaces glycine 490 with valine.
Molecular consequence: missense variant.
Genome position (GRCh38, 1-based): chrX:17,725,575, G>T. VCF-style: chrX-17725575-G-T. GRCh37 (hg19) VCF-style: chrX-17743695-G-T.
Other names: c.1406G>T (NM_198270.3); c.938G>T, p.Gly313Val (NM_001136024.4); c.875G>T, p.Gly292Val (NM_001291868.2); c.1406G>T, p.Gly469Val (NM_198270.4); short protein forms G469V, G490V, G292V, G313V.
Identifiers: ClinVar variation 589046 (VCV000589046.12), dbSNP rs775816596, ClinGen allele CA10358623.